The following is an entry in ClinVar:

NM_020911.2(PLXNA4):c.1604C>T (p.Thr535Ile)

Gene: PLXNA4 (plexin A4; minus strand). Cytogenetic location: 7q32.3.
Variant type: single nucleotide variant.
Coding change: c.1604C>T on transcript NM_020911.2 (MANE Select); coding-DNA position 1604, C replaced by T.
Protein change: p.Thr535Ile; replaces threonine 535 with isoleucine.
Molecular consequence: missense variant.
Genome position (GRCh38, 1-based): chr7:132,241,066, G>A on the plus strand (C>T on the coding strand, the complement: PLXNA4 is on the minus strand). VCF-style: chr7-132241066-G-A. GRCh37 (hg19) VCF-style: chr7-131925825-G-A.
Other names: c.1604C>T, p.Thr535Ile (NM_001393897.1); short protein forms T535I.
Identifiers: ClinVar variation 2635977 (VCV002635977.2), dbSNP rs747166124, ClinGen allele CA4490094.

ClinVar aggregate classification (germline): Uncertain significance (0 of 4 stars; one submission).

Conditions:
PLXNA4-related disorder. Also called: PLXNA4-related condition.

Allele frequency attached by ClinVar (database versions not stated): gnomAD exomes 0.00001; ExAC 0.00003; gnomAD 0.00003; TOPMed 0.00003.
gnomAD v4.1: 22 of 1,601,484 alleles (0.0014%); highest among the groups gnomAD compares: African/African-American, 0.011%; no homozygotes.

Submission:

PreventionGenetics, part of Exact Sciences
Classification: Uncertain significance for PLXNA4-related condition. Last evaluated: 2024-06-17. Review status: no assertion criteria provided. Collection method: clinical testing. Allele origin: germline.
Comment: The PLXNA4 c.1604C>T variant is predicted to result in the amino acid substitution p.Thr535Ile. To our knowledge, this variant has not been reported in the literature. This variant is reported in 0.0098% of alleles in individuals of Ashkenazi Jewish descent in gnomAD. At this time, the clinical significance of this variant is uncertain due to the absence of conclusive functional and genetic evidence.